The following is an entry in ClinVar:

ClinVar aggregate classification (germline): Uncertain significance. Review status: criteria provided, multiple submitters, no conflicts (2 of 4 stars). 4 submissions from 4 submitters: Uncertain significance (3). 1 of the submissions does not count toward it. Last evaluated 2024-03-10.

Conditions:
ATP6V0A2-related disorder. Also called: ATP6V0A2-related condition.
Cutis laxa with osteodystrophy (ARCL2A). Also called: Autosomal recessive cutis laxa type 2A; CUTIS LAXA WITH CONGENITAL DISORDER OF GLYCOSYLATION; CUTIS LAXA, AUTOSOMAL RECESSIVE, TYPE IIA; CUTIS LAXA WITH BONE DYSTROPHY; CUTIS LAXA WITH GROWTH AND DEVELOPMENTAL DELAY; CUTIS LAXA WITH JOINT LAXITY AND RETARDED DEVELOPMENT. Identifiers: Orphanet 357058, MedGen C0268355, MONDO:0018163, OMIM 219200. Disease mechanism: loss of function.
ALG9 congenital disorder of glycosylation (CDG1L). Also called: ALG9-CDG; CONGENITAL DISORDER OF GLYCOSYLATION, TYPE Il; CDG Il. Identifiers: Orphanet 79328, MedGen C2931006, MONDO:0012117, OMIM 608776.

Allele frequency attached by ClinVar (database versions not stated): ExAC 0.00002; gnomAD exomes 0.00004; gnomAD 0.00005 and 0.00006; TOPMed 0.00009.

Submissions (4):

GeneDx
Classification: Uncertain significance. Last evaluated: 2024-03-10. Review status: criteria provided, single submitter. Criteria: GeneDx Variant Classification Process June 2021. Collection method: clinical testing. Allele origin: germline. Affected: yes.
Comment: In silico analysis supports that this missense variant has a deleterious effect on protein structure/function; Has not been previously published as pathogenic or benign to our knowledge

Labcorp Genetics (formerly Invitae), Labcorp
Classification: Uncertain significance for ALG9 congenital disorder of glycosylation. Last evaluated: 2022-05-11. Review status: criteria provided, single submitter. Criteria: Invitae Variant Classification Sherloc (09022015). Collection method: clinical testing. Allele origin: germline.
Comment: This sequence change replaces arginine, which is basic and polar, with histidine, which is basic and polar, at codon 371 of the ATP6V0A2 protein (p.Arg371His). This variant is present in population databases (rs199698721, gnomAD 0.03%). This variant has not been reported in the literature in individuals affected with ATP6V0A2-related conditions. ClinVar contains an entry for this variant (Variation ID: 1034405). Algorithms developed to predict the effect of missense changes on protein structure and function are either unavailable or do not agree on the potential impact of this missense change (SIFT: "Deleterious"; PolyPhen-2: "Probably Damaging"; Align-GVGD: "Class C0"). In summary, the available evidence is currently insufficient to determine the role of this variant in disease. Therefore, it has been classified as a Variant of Uncertain Significance.

Baylor Genetics
Classification: Uncertain significance for Cutis laxa with osteodystrophy. Last evaluated: 2018-04-03. Review status: criteria provided, single submitter. Criteria: ACMG Guidelines, 2015. Collection method: clinical testing. Allele origin: paternal. Affected: yes.
Comment: This variant was determined to be of uncertain significance according to ACMG Guidelines, 2015 [PMID:25741868].

PreventionGenetics, part of Exact Sciences
Classification: Uncertain significance for ATP6V0A2-related condition. Last evaluated: 2024-03-18. Review status: no assertion criteria provided. Collection method: clinical testing. Allele origin: germline. Not counted in ClinVar's aggregate classification.
Comment: The ATP6V0A2 c.1112G>A variant is predicted to result in the amino acid substitution p.Arg371His. To our knowledge, this variant has not been reported in the literature. This variant is reported in 0.020% of alleles in individuals of East Asian descent in gnomAD. At this time, the clinical significance of this variant is uncertain due to the absence of conclusive functional and genetic evidence.

NM_012463.4(ATP6V0A2):c.1112G>A (p.Arg371His)

Gene: ATP6V0A2 (ATPase H+ transporting V0 subunit a2; plus strand). Cytogenetic location: 12q24.31.
Variant type: single nucleotide variant.
Coding change: c.1112G>A on transcript NM_012463.4 (MANE Select); coding-DNA position 1112, G replaced by A.
Protein change: p.Arg371His; replaces arginine 371 with histidine.
Molecular consequence: missense variant.
Genome position (GRCh38, 1-based): chr12:123,743,858, G>A. VCF-style: chr12-123743858-G-A. GRCh37 (hg19) VCF-style: chr12-124228405-G-A.
Other names: short protein forms R371H.
Identifiers: ClinVar variation 1034405 (VCV001034405.5), dbSNP rs199698721, ClinGen allele CA6861846.